The following is an entry in ClinVar:

ClinVar aggregate classification (germline): Uncertain significance (1 of 4 stars; one submission).

Conditions:
LAMA2-related muscular dystrophy (LAMA2-RD). Also called: Laminin alpha 2-related dystrophy. Identifiers: MedGen C5679788, MONDO:0100228.

Allele frequency attached by ClinVar (database versions not stated): gnomAD exomes below 0.00001.
gnomAD v4.1: 2 of 1,614,078 alleles (0.00012%); highest among the groups gnomAD compares: Non-Finnish European, 0.00017%; no homozygotes.

Submission:

Labcorp Genetics (formerly Invitae), Labcorp
Classification: Uncertain significance for LAMA2-related muscular dystrophy. Last evaluated: 2020-12-07. Review status: criteria provided, single submitter. Criteria: Invitae Variant Classification Sherloc (09022015). Collection method: clinical testing. Allele origin: germline.
Comment: This sequence change replaces asparagine with aspartic acid at codon 358 of the LAMA2 protein (p.Asn358Asp). The asparagine residue is weakly conserved and there is a small physicochemical difference between asparagine and aspartic acid. This variant is not present in population databases (ExAC no frequency). This variant has not been reported in the literature in individuals with LAMA2-related conditions. Advanced modeling of protein sequence and biophysical properties (such as structural, functional, and spatial information, amino acid conservation, physicochemical variation, residue mobility, and thermodynamic stability) performed at Invitae indicates that this missense variant is not expected to disrupt LAMA2 protein function. In summary, the available evidence is currently insufficient to determine the role of this variant in disease. Therefore, it has been classified as a Variant of Uncertain Significance.

NM_000426.4(LAMA2):c.1072A>G (p.Asn358Asp)

Gene: LAMA2 (laminin subunit alpha 2; plus strand). Cytogenetic location: 6q22.33.
Variant type: single nucleotide variant.
Coding change: c.1072A>G on transcript NM_000426.4 (MANE Select); coding-DNA position 1072, A replaced by G.
Protein change: p.Asn358Asp; replaces asparagine 358 with aspartic acid.
Molecular consequence: missense variant.
Genome position (GRCh38, 1-based): chr6:129,154,549, A>G. VCF-style: chr6-129154549-A-G. GRCh37 (hg19) VCF-style: chr6-129475694-A-G.
Other names: c.1072A>G, p.Asn358Asp (NM_001079823.2); short protein forms N358D.
Identifiers: ClinVar variation 1467827 (VCV001467827.8), dbSNP rs2114976262, ClinGen allele CA365606859.